The following is an entry in ClinVar:

ClinVar aggregate classification (germline): Uncertain significance (1 of 4 stars; one submission).

Allele frequency attached by ClinVar (database versions not stated): gnomAD exomes below 0.00001; TOPMed 0.00002; gnomAD 0.00001.
gnomAD v4.1: 2 of 1,613,926 alleles (0.00012%); highest among the groups gnomAD compares: Admixed American, 0.0033%; no homozygotes.

Submission:

Labcorp Genetics (formerly Invitae), Labcorp
Classification: Uncertain significance. Last evaluated: 2018-03-25. Review status: criteria provided, single submitter. Criteria: Invitae Variant Classification Sherloc (09022015). Collection method: clinical testing. Allele origin: germline.
Comment: This sequence change replaces histidine with asparagine at codon 373 of the PARK2 protein (p.His373Asn). The histidine residue is moderately conserved and there is a small physicochemical difference between histidine and asparagine. This variant is not present in population databases (ExAC no frequency). This variant has not been reported in the literature in individuals with PARK2-related disease. Algorithms developed to predict the effect of missense changes on protein structure and function do not agree on the potential impact of this missense change (SIFT: "Tolerated"; PolyPhen-2: "Possibly Damaging"; Align-GVGD: "Class C0"). In summary, the available evidence is currently insufficient to determine the role of this variant in disease. Therefore, it has been classified as a Variant of Uncertain Significance.

NM_004562.3(PRKN):c.1117C>A (p.His373Asn)

Gene: PRKN (parkin RBR E3 ubiquitin protein ligase; minus strand). Cytogenetic location: 6q26.
Variant type: single nucleotide variant.
Coding change: c.1117C>A on transcript NM_004562.3 (MANE Select); coding-DNA position 1117, C replaced by A.
Protein change: p.His373Asn; replaces histidine 373 with asparagine.
Molecular consequence: missense variant.
Genome position (GRCh38, 1-based): chr6:161,386,844, G>T on the plus strand (C>A on the coding strand, the complement: PRKN is on the minus strand). VCF-style: chr6-161386844-G-T. GRCh37 (hg19) VCF-style: chr6-161807876-G-T.
Other names: c.1033C>A, p.His345Asn (NM_013987.3); c.670C>A, p.His224Asn (NM_013988.3); short protein forms H373N, H224N, H345N.
Identifiers: ClinVar variation 567796 (VCV000567796.10), dbSNP rs1240306663, ClinGen allele CA366456768.
Genomic context (GRCh38, chr6:161,386,844, plus strand): 5'-CATTCTGTACCTGAGTAGTTGTTCCTGAGGCTTCAAATACGGCACTGCACTCCCCTTCAT[G>T]GTACGCTTCTTTACATTCCCGGCAGAAGGCAAACTGCAAAAGAACACACATCCATTAATT-3'
Protein context (NP_004553.2, residues 363-383): AFCRECKEAY[His373Asn]EGECSAVFEA